The following is an entry in ClinVar:

ClinVar aggregate classification (germline): Uncertain significance. Review status: criteria provided, multiple submitters, no conflicts (2 of 4 stars). 2 submissions from 2 submitters: Uncertain significance (2). Last evaluated 2024-09-09.

Conditions:
Cardiovascular phenotype. Identifiers: MedGen CN230736.

Submissions (2):

GeneDx
Classification: Uncertain significance. Last evaluated: 2024-09-09. Review status: criteria provided, single submitter. Criteria: GeneDx Variant Classification Process June 2021. Collection method: clinical testing. Allele origin: germline. Affected: yes.
Comment: In silico analysis is inconclusive as to whether the variant alters gene splicing. In the absence of RNA/functional studies, the actual effect of this sequence change is unknown.; Not observed at significant frequency in large population cohorts (gnomAD); Has not been previously published as pathogenic or benign to our knowledge

Ambry Genetics
Classification: Uncertain significance for Cardiovascular phenotype. Last evaluated: 2019-01-31. Review status: criteria provided, single submitter. Criteria: Ambry Variant Classification Scheme 2023. Collection method: clinical testing. Allele origin: germline.
Comment: The c.1224-1G>A intronic variant results from a G to A substitution one nucleotide upstream from coding exon 14 of the MYBPC3 gene. Alterations that disrupt the canonical splice site are expected to cause aberrant splicing, resulting in an abnormal protein or a transcript that is subject to nonsense-mediated mRNA decay. However, one of the predicted consequences is skipping of exon 14, leading to an in-frame deletion of a single amino acid with unknown functional impact. This nucleotide position is highly conserved in available vertebrate species. Using the BDGP and ESEfinder splice site prediction tools, this alteration is predicted to abolish the native splice acceptor site; however, direct evidence is unavailable. Since supporting evidence is limited at this time, the clinical significance of this alteration remains unclear.

Literature cited by the submitters: PubMed 18337725 (cited by Ambry Genetics).

NM_000256.3(MYBPC3):c.1224-1G>A

Gene: MYBPC3 (myosin binding protein C3; minus strand). Cytogenetic location: 11p11.2.
Variant type: single nucleotide variant.
Coding change: c.1224-1G>A on transcript NM_000256.3 (MANE Select); the canonical splice acceptor site of the intron before coding-DNA position 1224, G replaced by A.
Molecular consequence: splice acceptor variant.
Genome position (GRCh38, 1-based): chr11:47,343,263, C>T on the plus strand (G>A on the coding strand, the complement: MYBPC3 is on the minus strand). VCF-style: chr11-47343263-C-T. GRCh37 (hg19) VCF-style: chr11-47364814-C-T.
Identifiers: ClinVar variation 1753750 (VCV001753750.3), dbSNP rs767405420, ClinGen allele CA380327864.